The following is an entry in ClinVar:

NM_001868.4(CPA1):c.240G>C (p.Glu80Asp)

Gene: CPA1 (carboxypeptidase A1; plus strand). Cytogenetic location: 7q32.2.
Variant type: single nucleotide variant.
Coding change: c.240G>C on transcript NM_001868.4 (MANE Select); coding-DNA position 240, G replaced by C.
Protein change: p.Glu80Asp; replaces glutamic acid 80 with aspartic acid.
Molecular consequence: missense variant.
Genome position (GRCh38, 1-based): chr7:130,381,722, G>C. VCF-style: chr7-130381722-G-C. GRCh37 (hg19) VCF-style: chr7-130021563-G-C.
Other names: short protein forms E80D.
Identifiers: ClinVar variation 5034919 (VCV005034919.1).
Genomic context (GRCh38, chr7:130,381,722, plus strand): 5'-CTCCCCCATCGACGTCCGAGTGCCCTTCCCCAGCATCCAGGCGGTCAAGATCTTTCTGGA[G>C]TCCCACGGCATCAGCTATGAGACCATGATCGAGGACGTGCAGTCGCTGCTGGACGAGGAG-3'
Protein context (NP_001859.1, residues 70-90): PSIQAVKIFL[Glu80Asp]SHGISYETMI

ClinVar aggregate classification (germline): Uncertain significance (1 of 4 stars; one submission).

Conditions:
Hereditary pancreatitis (PCTT). Also called: Hereditary chronic pancreatitis; PRSS1-Related Hereditary Pancreatitis. Identifiers: Orphanet 676, MedGen C0238339, MONDO:0008185, OMIM 167800.

Submission:

Ambry Genetics
Classification: Uncertain significance for Hereditary pancreatitis. Last evaluated: 2026-08-20. Review status: criteria provided, single submitter. Criteria: Ambry Variant Classification Scheme 2023. Collection method: clinical testing. Allele origin: germline.
Comment: The p.E80D variant (also known as c.240G>C), located in coding exon 3 of the CPA1 gene, results from a G to C substitution at nucleotide position 240. The glutamic acid at codon 80 is replaced by aspartic acid, an amino acid with highly similar properties. This amino acid position is conserved. In addition, this alteration is predicted to be tolerated by in silico analysis. Based on the available evidence, the clinical significance of this variant remains unclear.